The following is an entry in ClinVar:

ClinVar aggregate classification (germline): Uncertain significance. Review status: criteria provided, single submitter (1 of 4 stars). 2 submissions from 2 submitters: Uncertain significance (1). 1 of the submissions does not count toward it. Last evaluated 2025-03-12.

Conditions:
ZSWIM6-related disorder. Also called: ZSWIM6-related condition.

Allele frequency attached by ClinVar (database versions not stated): TOPMed 0.00012; gnomAD 0.00013; 1000 Genomes Project 30x 0.00016.
gnomAD v4.1: 30 of 1,166,400 alleles (0.0026%); highest among the groups gnomAD compares: African/African-American, 0.047%; no homozygotes.

Submissions (2):

Women's Health and Genetics/Laboratory Corporation of America, LabCorp
Classification: Uncertain significance. Last evaluated: 2025-03-12. Review status: criteria provided, single submitter. Criteria: LabCorp Variant Classification Summary - May 2015. Collection method: clinical testing. Allele origin: germline.
Comment: Variant summary: ZSWIM6 c.-6G>A is located in the untranslated mRNA region upstream of the initiation codon. The variant allele was found at a frequency of 2.6e-05 in 1166400 control chromosomes, predominantly at a frequency of 0.00047 within the African or African-American subpopulation in the gnomAD database. This frequency is not significantly higher than estimated for a pathogenic variant in ZSWIM6 causing ZSWIM6-Related Disorders, allowing no conclusion about variant significance. To our knowledge, no occurrence of c.-6G>A in individuals affected with ZSWIM6-Related Disorders and no experimental evidence demonstrating its impact on protein function have been reported. ClinVar contains an entry for this variant (Variation ID: 3050661). Based on the evidence outlined above, the variant was classified as uncertain significance.

PreventionGenetics, part of Exact Sciences
Classification: Likely benign for ZSWIM6-related condition. Last evaluated: 2019-07-12. Review status: no assertion criteria provided. Collection method: clinical testing. Allele origin: germline. Not counted in ClinVar's aggregate classification.
Comment: This variant is classified as likely benign based on ACMG/AMP sequence variant interpretation guidelines (Richards et al. 2015 PMID: 25741868, with internal and published modifications).

NM_020928.2(ZSWIM6):c.-6G>A

Gene: ZSWIM6 (zinc finger SWIM-type containing 6; plus strand). Cytogenetic location: 5q12.1.
Variant type: single nucleotide variant.
Coding change: c.-6G>A on transcript NM_020928.2 (MANE Select); 6 bases upstream of the start codon, G replaced by A.
Molecular consequence: 5 prime UTR variant.
Genome position (GRCh38, 1-based): chr5:61,332,267, G>A. VCF-style: chr5-61332267-G-A. GRCh37 (hg19) VCF-style: chr5-60628094-G-A.
Identifiers: ClinVar variation 3050661 (VCV003050661.3), dbSNP rs913733220, ClinGen allele CA119631594.